The following is an entry in ClinVar:

NC_000005.9:g.(?_130500743)_(130501051_?)del

Gene: HINT1 (histidine triad nucleotide binding protein 1; minus strand). Cytogenetic location: 5q23.3.
Variant type: Deletion.
Identifiers: ClinVar variation 1073843 (VCV001073843.7).

ClinVar aggregate classification (germline): Pathogenic (1 of 4 stars; one submission).

Conditions:
Autosomal recessive axonal neuropathy with neuromyotonia (NMAN). Also called: MYOKYMIA, MYOTONIA, AND MUSCLE WASTING; Gamstorp-Wohlfart syndrome; Neuromyotonia and axonal neuropathy, autosomal recessive. Identifiers: Orphanet 324442, MedGen C5700127, MONDO:0007646, OMIM 137200.

Submission:

Labcorp Genetics (formerly Invitae), Labcorp
Classification: Pathogenic for Autosomal recessive axonal neuropathy with neuromyotonia. Last evaluated: 2020-05-31. Review status: criteria provided, single submitter. Criteria: Invitae Variant Classification Sherloc (09022015). Collection method: clinical testing. Allele origin: germline.
Comment: For these reasons, this variant has been classified as Pathogenic. Loss-of-function variants in HINT1 are known to be pathogenic (PMID: 22961002, 25342199, 26059562). This variant has not been reported in the literature in individuals with HINT1-related conditions. This variant is a gross deletion of the genomic region encompassing exon 1 of the HINT1 gene, which includes the initiator codon. The 5' end of this event is unknown as it extends beyond the assayed region for this gene and therefore may encompass additional genes. The 3' boundary is likely confined to intron 1 of the HINT1 gene. This is expected to result in an absent or disrupted protein product.

Literature cited by the submitters: PubMed 22961002; PubMed 25342199; PubMed 26059562.